The following is an entry in ClinVar:

ClinVar aggregate classification (germline): Uncertain significance (1 of 4 stars; one submission).

Conditions:
Kleefstra syndrome 1 (KLEFS1). Identifiers: Orphanet 261494, MedGen C0795833, MONDO:0027407, OMIM 610253.

gnomAD v4.1: 2 of 1,614,076 alleles (0.00012%); highest among the groups gnomAD compares: Non-Finnish European, 0.00017%; no homozygotes.

Submission:

Labcorp Genetics (formerly Invitae), Labcorp
Classification: Uncertain significance for Kleefstra syndrome 1. Last evaluated: 2024-02-21. Review status: criteria provided, single submitter. Criteria: Invitae Variant Classification Sherloc (09022015). Collection method: clinical testing. Allele origin: germline.
Comment: This sequence change replaces glutamine, which is neutral and polar, with arginine, which is basic and polar, at codon 1043 of the EHMT1 protein (p.Gln1043Arg). This variant is not present in population databases (gnomAD no frequency). This variant has not been reported in the literature in individuals affected with EHMT1-related conditions. Advanced modeling of protein sequence and biophysical properties (such as structural, functional, and spatial information, amino acid conservation, physicochemical variation, residue mobility, and thermodynamic stability) performed at Invitae indicates that this missense variant is not expected to disrupt EHMT1 protein function with a negative predictive value of 80%. In summary, the available evidence is currently insufficient to determine the role of this variant in disease. Therefore, it has been classified as a Variant of Uncertain Significance.

NM_024757.5(EHMT1):c.3128A>G (p.Gln1043Arg)

Gene: EHMT1 (euchromatic histone lysine methyltransferase 1; plus strand). Cytogenetic location: 9q34.3.
Variant type: single nucleotide variant.
Coding change: c.3128A>G on transcript NM_024757.5 (MANE Select); coding-DNA position 3128, A replaced by G.
Protein change: p.Gln1043Arg; replaces glutamine 1043 with arginine.
Molecular consequence: missense variant.
Genome position (GRCh38, 1-based): chr9:137,813,478, A>G. VCF-style: chr9-137813478-A-G. GRCh37 (hg19) VCF-style: chr9-140707930-A-G.
Other names: c.3107A>G, p.Gln1036Arg (NM_001354263.2); short protein forms Q1036R, Q1043R.
Identifiers: ClinVar variation 3697608 (VCV003697608.2).